The following is an entry in ClinVar:

ClinVar aggregate classification (germline): Benign. Review status: criteria provided, multiple submitters, no conflicts (2 of 4 stars). 6 submissions from 4 submitters: Benign (6). Last evaluated 2021-07-10.

Conditions:
Ocular cystinosis. Also called: Non-Nephropathic (Ocular) Cystinosis; Non-Nephropathic Cystinosis. Identifiers: Orphanet 213, Orphanet 411641, MedGen C2931013, MONDO:0009064, OMIM 219750.
Nephropathic cystinosis (CTNS). Also called: CYSTINOSIN, DEFECT OF; LYSOSOMAL CYSTINE TRANSPORT PROTEIN, DEFECT OF; Abderhalden Lignac Kaufmann disease; Abderhalden-Kaufmann-Lignac syndrome. Identifiers: Orphanet 213, Orphanet 411629, MedGen C2931187, MONDO:0100151, OMIM 219800.

Allele frequency attached by ClinVar (database versions not stated): ESP Exome Variant Server 0.17753; TOPMed 0.18942; gnomAD 0.19387 and 0.19662; 1000 Genomes Project 0.19768; 1000 Genomes Project 30x 0.19863; ExAC 0.21175; gnomAD exomes 0.21393 and 0.21552.
gnomAD v4.1: 344,321 of 1,611,076 alleles (21%); highest among the groups gnomAD compares: East Asian, 24%; 37,703 homozygotes.

Submissions (6):

Genome-Nilou Lab
Classification: Benign for Nephropathic cystinosis. Last evaluated: 2021-07-10. Review status: criteria provided, single submitter. Criteria: ACMG Guidelines, 2015. Collection method: clinical testing. Allele origin: germline. Affected: no.

Genome-Nilou Lab
Classification: Benign for Ocular cystinosis. Last evaluated: 2021-07-10. Review status: criteria provided, single submitter. Criteria: ACMG Guidelines, 2015. Collection method: clinical testing. Allele origin: germline. Affected: no.

GeneDx
Classification: Benign. Last evaluated: 2018-06-19. Review status: criteria provided, single submitter. Criteria: GeneDx Variant Classification Process June 2021. Collection method: clinical testing. Allele origin: germline. Affected: yes.

Illumina Laboratory Services, Illumina
Classification: Benign for Nephropathic cystinosis. Last evaluated: 2018-01-12. Review status: criteria provided, single submitter. Criteria: ICSL Variant Classification Criteria 13 December 2019. Collection method: clinical testing. Allele origin: germline.
Comment: This variant was observed in the ICSL laboratory as part of a predisposition screen in an ostensibly healthy population. It had not been previously curated by ICSL or reported in the Human Gene Mutation Database (HGMD: prior to June 1st, 2018), and was therefore a candidate for classification through an automated scoring system. Utilizing variant allele frequency, disease prevalence and penetrance estimates, and inheritance mode, an automated score was calculated to assess if this variant is too frequent to cause the disease. Based on the score and internal cut-off values, a variant classified as benign is not then subjected to further curation. The score for this variant resulted in a classification of benign for this disease.

Illumina Laboratory Services, Illumina
Classification: Benign for Ocular cystinosis. Last evaluated: 2018-01-12. Review status: criteria provided, single submitter. Criteria: ICSL Variant Classification Criteria 13 December 2019. Collection method: clinical testing. Allele origin: germline.
Comment: the same text as in the submission from Illumina Laboratory Services, Illumina above.

Breakthrough Genomics
Classification: Benign. Review status: criteria provided, single submitter. Criteria: ACMG Guidelines, 2015. Collection method: not provided. Allele origin: germline. Inheritance: Autosomal recessive inheritance. Affected: yes.

NM_004937.3(CTNS):c.*410A>G

Gene: CTNS (cystinosin, lysosomal cystine transporter; plus strand). Cytogenetic location: 17p13.2.
Variant type: single nucleotide variant.
Coding change: c.*410A>G on transcript NM_004937.3 (MANE Select); 410 bases downstream of the stop codon, A replaced by G.
Molecular consequence: 3 prime UTR variant.
Genome position (GRCh38, 1-based): chr17:3,660,779, A>G. VCF-style: chr17-3660779-A-G. GRCh37 (hg19) VCF-style: chr17-3564073-A-G.
Other names: c.*45A>G (NM_001031681.3, NM_001374492.1); c.*410A>G (NM_001374493.1, NM_001374494.1, NM_001374495.1 and 1 more transcripts).
Identifiers: ClinVar variation 322853 (VCV000322853.10), dbSNP rs3826496, ClinGen allele CA8292107.